The following is an entry in ClinVar:

NM_004514.4(FOXK2):c.1569_1576+40del

Genes: FOXK2 (forkhead box K2; plus strand), FOXK2-AS1 (FOXK2 antisense RNA 1; minus strand). Cytogenetic location: 17q25.3.
Variant type: Deletion.
Coding change: c.1569_1576+40del on transcript NM_004514.4 (MANE Select); coding-DNA position 1569 through 40 bases into the intron after coding-DNA position 1576, 48 bases deleted.
Molecular consequence: splice donor variant.
Genome position (GRCh38, 1-based): chr17:82,586,193-82,586,240, 48 bases deleted; deleting any 48 consecutive bases within chr17:82,586,179-82,586,240 gives the same sequence; the c. name uses the placement nearest the transcript's 3' end. GRCh37 (hg19): chr17:80,544,069-80,544,116.
Identifiers: ClinVar variation 708152 (VCV000708152.28), dbSNP rs1567984664, ClinGen allele CA8859535.

ClinVar aggregate classification (germline): Likely benign. Review status: criteria provided, multiple submitters, no conflicts (2 of 4 stars). 2 submissions from 2 submitters: Likely benign (2). Last evaluated 2023-04-01.

Submissions (2):

CeGaT Center for Human Genetics Tuebingen
Classification: Likely benign. Last evaluated: 2023-04-01. Review status: criteria provided, single submitter. Criteria: CeGaT Center For Human Genetics Tuebingen Variant Classification Criteria Version 2. Collection method: clinical testing. Allele origin: germline. Affected: yes. Observed: 2 variant alleles.
Comment: FOXK2: BS2

Labcorp Genetics (formerly Invitae), Labcorp
Classification: Likely benign. Last evaluated: 2019-12-31. Review status: criteria provided, single submitter. Criteria: Invitae Variant Classification Sherloc (09022015). Collection method: clinical testing. Allele origin: germline.